The following is an entry in ClinVar:

ClinVar aggregate classification (germline): Uncertain significance (1 of 4 stars; one submission).

Conditions:
Hereditary cancer-predisposing syndrome. Also called: Neoplastic Syndromes, Hereditary; Tumor predisposition; Hereditary neoplastic syndrome; Hereditary Cancer Syndrome. Identifiers: Orphanet 140162, MedGen C0027672, MeSH D009386, MONDO:0015356.

Submission:

Ambry Genetics
Classification: Uncertain significance for Hereditary cancer-predisposing syndrome. Last evaluated: 2026-07-07. Review status: criteria provided, single submitter. Criteria: Ambry Variant Classification Scheme 2023. Collection method: clinical testing. Allele origin: germline.
Comment: The p.A27G variant (also known as c.80C>G), located in coding exon 3 of the SDHC gene, results from a C to G substitution at nucleotide position 80. The alanine at codon 27 is replaced by glycine, an amino acid with similar properties. This amino acid position is conserved. In addition, the in silico prediction for this alteration is inconclusive. Based on the available evidence, the clinical significance of this variant remains unclear.

NM_003001.5(SDHC):c.80C>G (p.Ala27Gly)

Gene: SDHC (succinate dehydrogenase complex subunit C; plus strand). Cytogenetic location: 1q23.3.
Variant type: single nucleotide variant.
Coding change: c.80C>G on transcript NM_003001.5 (MANE Select); coding-DNA position 80, C replaced by G.
Protein change: p.Ala27Gly; replaces alanine 27 with glycine.
Molecular consequence: missense variant. On other transcripts: 5 prime UTR variant (2), non-coding transcript variant (1), intron variant (4).
Genome position (GRCh38, 1-based): chr1:161,328,398, C>G. VCF-style: chr1-161328398-C-G. GRCh37 (hg19) VCF-style: chr1-161298188-C-G.
Other names: c.80C>G, p.Ala27Gly (NM_001035511.3, NM_001407115.1); c.23C>G, p.Ala8Gly (NM_001407116.1, NM_001407117.1, NM_001407121.1); c.-32C>G (NM_001407119.1, NM_001407120.1); c.77+4728C>G (NM_001035512.3, NM_001278172.3, NM_001407118.1); c.21-12196C>G (NM_001035513.3); short protein forms A27G, A8G.
Identifiers: ClinVar variation 5029335 (VCV005029335.1).